The following is an entry in ClinVar:

ClinVar aggregate classification (germline): Pathogenic/Likely pathogenic. Review status: criteria provided, multiple submitters, no conflicts (2 of 4 stars). 2 submissions from 2 submitters: Pathogenic (1); Likely pathogenic (1). Last evaluated 2025-08-18.

Conditions:
Senior-Loken syndrome 8 (SLSN8). Identifiers: Orphanet 3156, MedGen C4225376, MONDO:0014579, OMIM 616307.
Spermatogenic failure 72 (SPGF72). Identifiers: MedGen C5676980, MONDO:0030809, OMIM 619867.
Nephronophthisis 13 (NPHP13). Identifiers: Orphanet 655, MedGen C3280612, MONDO:0013718, OMIM 614377.
Asphyxiating thoracic dystrophy 5 (SRTD5). Also called: SHORT-RIB THORACIC DYSPLASIA 5 WITHOUT POLYDACTYLY; SHORT-RIB THORACIC DYSPLASIA 5 WITH OR WITHOUT POLYDACTYLY. Identifiers: Orphanet 474, MedGen C3280598, MONDO:0013717, OMIM 614376.
Cranioectodermal dysplasia 4 (CED4). Identifiers: Orphanet 1515, MedGen C3280616, MONDO:0013719, OMIM 614378.

Submissions (2):

Labcorp Genetics (formerly Invitae), Labcorp
Classification: Pathogenic for Senior-Loken syndrome 8; Asphyxiating thoracic dystrophy 5. Last evaluated: 2025-08-18. Review status: criteria provided, single submitter. Criteria: Invitae Variant Classification Sherloc (09022015). Collection method: clinical testing. Allele origin: germline.
Comment: This sequence change creates a premature translational stop signal (p.Ile713Lysfs*21) in the WDR19 gene. It is expected to result in an absent or disrupted protein product. Loss-of-function variants in WDR19 are known to be pathogenic (PMID: 22019273, 23559409, 23683095, 26275793, 27241786, 29068549). This variant is not present in population databases (gnomAD no frequency). This variant has not been reported in the literature in individuals affected with WDR19-related conditions. ClinVar contains an entry for this variant (Variation ID: 2925026). For these reasons, this variant has been classified as Pathogenic.

Fulgent Genetics
Classification: Likely pathogenic for Asphyxiating thoracic dystrophy 5; Nephronophthisis 13; Cranioectodermal dysplasia 4; Senior-Loken syndrome 8; Spermatogenic failure 72. Last evaluated: 2024-04-29. Review status: criteria provided, single submitter. Criteria: ACMG Guidelines, 2015. Collection method: clinical testing. Allele origin: germline.

Literature cited by the submitters: PubMed 22019273 (cited by Labcorp Genetics (formerly Invitae), Labcorp); PubMed 23559409 (cited by Labcorp Genetics (formerly Invitae), Labcorp); PubMed 23683095 (cited by Labcorp Genetics (formerly Invitae), Labcorp); PubMed 26275793 (cited by Labcorp Genetics (formerly Invitae), Labcorp); PubMed 27241786 (cited by Labcorp Genetics (formerly Invitae), Labcorp); PubMed 29068549 (cited by Labcorp Genetics (formerly Invitae), Labcorp).

NM_025132.4(WDR19):c.2138_2139del (p.Ile713fs)

Gene: WDR19 (WD repeat domain 19; plus strand). Cytogenetic location: 4p14.
Variant type: Deletion.
Coding change: c.2138_2139del on transcript NM_025132.4 (MANE Select); coding-DNA positions 2138 to 2139, 2 bases deleted (TA; older notation c.2138_2139delTA).
Protein change: p.Ile713fs; shifts the reading frame from isoleucine 713.
Molecular consequence: frameshift variant.
Genome position (GRCh38, 1-based): chr4:39,231,952-39,231,953, TA deleted; deleting any 2 consecutive bases within chr4:39,231,951-39,231,953 gives the same sequence; the c. name uses the placement nearest the transcript's 3' end. VCF-style (leftmost placement, unchanged base first): chr4-39231950-AAT-A. GRCh37 (hg19) VCF-style: chr4-39233570-AAT-A.
Other names: c.1658_1659del, p.Ile553fs (NM_001317924.2); short protein forms I713fs, I553fs.
Identifiers: ClinVar variation 2925026 (VCV002925026.4), dbSNP rs2475203506, ClinGen allele CA2578068485.